The following is an entry in ClinVar:

NM_001370259.2(MEN1):c.549G>A (p.Trp183Ter)

Gene: MEN1 (menin 1; minus strand). Cytogenetic location: 11q13.1.
Variant type: single nucleotide variant.
Coding change: c.549G>A on transcript NM_001370259.2 (MANE Select); coding-DNA position 549, G replaced by A.
Protein change: p.Trp183Ter; replaces tryptophan 183 with a stop codon.
Molecular consequence: nonsense.
Genome position (GRCh38, 1-based): chr11:64,807,996, C>T on the plus strand (G>A on the coding strand, the complement: MEN1 is on the minus strand). VCF-style: chr11-64807996-C-T. GRCh37 (hg19) VCF-style: chr11-64575468-C-T.
Other names: c.564G>A, p.Trp188Ter (NM_000244.4, NM_001407145.1, NM_001407150.1 and 5 more transcripts); c.549G>A, p.Trp183Ter (NM_001370251.2, NM_001370260.2, NM_001370261.2 and 12 more transcripts); short protein forms W188*, W183*.
Identifiers: ClinVar variation 2137148 (VCV002137148.5), dbSNP rs2136153753, ClinGen allele CA381185807.
Genomic context (GRCh38, chr11:64,807,996, plus strand): 5'-GTTGCCCTTGCCGTGCCAGGTGACCTCAGCTGTCTGCTCCCCATTGGGCCCAAACACTAC[C>T]CAGGCATGATCCTCAGACAGGGCGAGGTGGACATCCCGGAGACCCAGGGCCTGGCAGGCC-3'

ClinVar aggregate classification (germline): Pathogenic. Review status: criteria provided, multiple submitters, no conflicts (2 of 4 stars). 2 submissions from 2 submitters: Pathogenic (2). Last evaluated 2025-10-14.

Conditions:
Hereditary cancer-predisposing syndrome. Also called: Tumor predisposition; Hereditary Cancer Syndrome; Hereditary neoplastic syndrome; Neoplastic Syndromes, Hereditary. Identifiers: Orphanet 140162, MedGen C0027672, MeSH D009386, MONDO:0015356.
Multiple endocrine neoplasia, type 1 (MEN1). Also called: WERMER SYNDROME; Endocrine adenomatosis multiple; MEN 1; MEA I; MEN I. Identifiers: Orphanet 652, MedGen C0025267, MeSH D018761, MONDO:0007540, OMIM 131100.

Submissions (2):

Labcorp Genetics (formerly Invitae), Labcorp
Classification: Pathogenic for Multiple endocrine neoplasia, type 1. Last evaluated: 2025-10-14. Review status: criteria provided, single submitter. Criteria: Invitae Variant Classification Sherloc (09022015). Collection method: clinical testing. Allele origin: germline.
Comment: This sequence change creates a premature translational stop signal (p.Trp183*) in the MEN1 gene. It is expected to result in an absent or disrupted protein product. Loss-of-function variants in MEN1 are known to be pathogenic (PMID: 12112656, 17853334). This variant is not present in population databases (gnomAD no frequency). This premature translational stop signal has been observed in individual(s) with multiple endocrine neoplasia type 1 (PMID: 9215690, 9671267, 30324798). ClinVar contains an entry for this variant (Variation ID: 2137148). For these reasons, this variant has been classified as Pathogenic.

Ambry Genetics
Classification: Pathogenic for Hereditary cancer-predisposing syndrome. Last evaluated: 2025-05-12. Review status: criteria provided, single submitter. Criteria: Ambry Variant Classification Scheme 2023. Collection method: clinical testing. Allele origin: germline.
Comment: The p.W183* pathogenic mutation (also known as c.549G>A), located in coding exon 2 of the MEN1 gene, results from a G to A substitution at nucleotide position 549. This changes the amino acid from a tryptophan to a stop codon within coding exon 2. This variant was reported in individual(s) with features consistent with Multiple endocrine neoplasia type 1 (MEN1) (Ambry internal data). This variant is considered to be rare based on population cohorts in the Genome Aggregation Database (gnomAD). This alteration is expected to result in loss of function by premature protein truncation or nonsense-mediated mRNA decay. As such, this alteration is interpreted as a disease-causing mutation.

Literature cited by the submitters: PubMed 12112656 (cited by Labcorp Genetics (formerly Invitae), Labcorp); PubMed 17853334 (cited by Labcorp Genetics (formerly Invitae), Labcorp); PubMed 9215690 (cited by Labcorp Genetics (formerly Invitae), Labcorp); PubMed 9671267 (cited by Labcorp Genetics (formerly Invitae), Labcorp); PubMed 30324798 (cited by Labcorp Genetics (formerly Invitae), Labcorp).